The following is an entry in ClinVar:

NC_000012.12:g.63779695_63780110del

Genes: RXYLT1 (ribitol xylosyltransferase 1; plus strand), LOC130008195 (ATAC-STARR-seq lymphoblastoid silent region 4614; plus strand). Cytogenetic location: 12q14.2.
Variant type: Deletion.
Genome position: GRCh38: chr12:63,779,695-63,780,110. GRCh37 (hg19): chr12:64,173,475-64,173,890.
Identifiers: ClinVar variation 2026301 (VCV002026301.5), dbSNP rs2500470599, ClinGen allele CA2580086618.

ClinVar aggregate classification (germline): Uncertain significance (1 of 4 stars; one submission).

Submission:

Labcorp Genetics (formerly Invitae), Labcorp
Classification: Uncertain significance. Last evaluated: 2022-08-22. Review status: criteria provided, single submitter. Criteria: Invitae Variant Classification Sherloc (09022015). Collection method: clinical testing. Allele origin: germline.
Comment: Experimental studies and prediction algorithms are not available or were not evaluated, and the functional significance of this variant is currently unknown. This sequence change affects the initiator methionine of the RXYLT1 mRNA. The next in-frame methionine is located at codon 261. This variant is not present in population databases (gnomAD no frequency). This variant has not been reported in the literature in individuals affected with RXYLT1-related conditions. In summary, the available evidence is currently insufficient to determine the role of this variant in disease. Therefore, it has been classified as a Variant of Uncertain Significance.